The following is an entry in ClinVar:

ClinVar aggregate classification (germline): Uncertain significance (1 of 4 stars; one submission).

Conditions:
Familial cancer of breast. Also called: hereditary breast carcinoma; BREAST CANCER, FAMILIAL; Hereditary breast cancer. Identifiers: Orphanet 227535, MedGen C0346153, MONDO:0016419, OMIM 114480. Disease mechanism: loss of function.

Submission:

Labcorp Genetics (formerly Invitae), Labcorp
Classification: Uncertain significance for Familial cancer of breast. Last evaluated: 2022-02-03. Review status: criteria provided, single submitter. Criteria: Invitae Variant Classification Sherloc (09022015). Collection method: clinical testing. Allele origin: germline.
Comment: Algorithms developed to predict the effect of missense changes on protein structure and function (SIFT, PolyPhen-2, Align-GVGD) all suggest that this variant is likely to be disruptive. This variant has not been reported in the literature in individuals affected with CHEK2-related conditions. This variant is not present in population databases (gnomAD no frequency). This sequence change replaces isoleucine, which is neutral and non-polar, with serine, which is neutral and polar, at codon 146 of the CHEK2 protein (p.Ile146Ser). In summary, the available evidence is currently insufficient to determine the role of this variant in disease. Therefore, it has been classified as a Variant of Uncertain Significance.

NM_007194.4(CHEK2):c.437T>G (p.Ile146Ser)

Gene: CHEK2 (checkpoint kinase 2; minus strand). Cytogenetic location: 22q12.1.
Variant type: single nucleotide variant.
Coding change: c.437T>G on transcript NM_007194.4 (MANE Select); coding-DNA position 437, T replaced by G.
Protein change: p.Ile146Ser; replaces isoleucine 146 with serine.
Molecular consequence: missense variant.
Genome position (GRCh38, 1-based): chr22:28,725,250, A>C on the plus strand (T>G on the coding strand, the complement: CHEK2 is on the minus strand). VCF-style: chr22-28725250-A-C. GRCh37 (hg19) VCF-style: chr22-29121238-A-C.
Other names: c.566T>G, p.Ile189Ser (NM_001005735.3); c.-341T>G (NM_001257387.3); c.437T>G, p.Ile146Ser (NM_001349956.3, NM_145862.3); short protein forms I146S, I189S.
Identifiers: ClinVar variation 2092341 (VCV002092341.4), dbSNP rs2146066581, ClinGen allele CA411107882.
Genomic context (GRCh38, chr22:28,725,250, plus strand): 5'-AAACAATGACCAAATTACCAGCTCTCCTAGATACATGGGTATTCATTACCTACCCTGAAA[A>C]TCCGAAAGTGTTTCTTGCTGTATGTTCGGTATTTATCTGTTCTTTTCAGCAGTGGTTCAT-3'
Protein context (NP_009125.1, residues 136-156): YRTYSKKHFR[Ile146Ser]FREVGPKNSY